The following is an entry in ClinVar:

NM_001042492.3(NF1):c.6990_6991insATGAGG (p.Leu2330_Tyr2331insMetArg)

Gene: NF1 (neurofibromin 1; plus strand). Cytogenetic location: 17q11.2.
Variant type: Insertion.
Coding change: c.6990_6991insATGAGG on transcript NM_001042492.3 (MANE Select); coding-DNA positions 6990 to 6991, ATGAGG inserted.
Protein change: p.Leu2330_Tyr2331insMetArg.
Molecular consequence: inframe insertion. On other transcripts: inframe indel (1).
Genome position: GRCh38 VCF-style: chr17-31340572-T-TGATGAG. GRCh37 (hg19) VCF-style: chr17-29667590-T-TGATGAG.
Other names: c.6927_6928insATGAGG, p.Leu2309_Tyr2310insMetArg (NM_000267.4).
Identifiers: ClinVar variation 640473 (VCV000640473.5), dbSNP rs1597848085, ClinGen allele CA915949782.

ClinVar aggregate classification (germline): Uncertain significance (1 of 4 stars; one submission).

Conditions:
Neurofibromatosis, type 1 (NF1). Also called: NEUROFIBROMATOSIS, TYPE I, SOMATIC; VON RECKLINGHAUSEN DISEASE; Neurofibromatosis, type I; Peripheral type neurofibromatosis. Identifiers: Orphanet 636, MedGen C0027831, MONDO:0018975, OMIM 162200. Disease mechanism: loss of function.

Submission:

Labcorp Genetics (formerly Invitae), Labcorp
Classification: Uncertain significance for Neurofibromatosis, type 1. Last evaluated: 2018-09-21. Review status: criteria provided, single submitter. Criteria: Invitae Variant Classification Sherloc (09022015). Collection method: clinical testing. Allele origin: germline.
Comment: This variant is not present in population databases (ExAC no frequency). This variant, c.6927_6928insATGAGG, results in the insertion of 2 amino acid(s) to the NF1 protein (p.Leu2309_Tyr2310insMetArg), but otherwise preserves the integrity of the reading frame. This variant has not been reported in the literature in individuals with NF1-related disease. In summary, the available evidence is currently insufficient to determine the role of this variant in disease. Therefore, it has been classified as a Variant of Uncertain Significance. Algorithms developed to predict the effect of sequence changes on RNA splicing suggest that this variant may create or strengthen a splice site, but this prediction has not been confirmed by published transcriptional studies. Experimental studies and prediction algorithms are not available for this variant, and the functional significance of the affected amino acid(s) is currently unknown.